The following is an entry in ClinVar:

ClinVar aggregate classification (germline): Uncertain significance (1 of 4 stars; one submission).

Allele frequency attached by ClinVar (database versions not stated): TOPMed below 0.00001; gnomAD exomes 0.00001.
gnomAD v4.1: 8 of 1,612,982 alleles (0.0005%); highest among the groups gnomAD compares: Non-Finnish European, 0.00068%; no homozygotes.

Submission:

Women's Health and Genetics/Laboratory Corporation of America, LabCorp
Classification: Uncertain significance. Last evaluated: 2023-12-08. Review status: criteria provided, single submitter. Criteria: LabCorp Variant Classification Summary - May 2015. Collection method: clinical testing. Allele origin: germline.
Comment: Variant summary: COL4A3 c.2522C>T (p.Pro841Leu) results in a non-conservative amino acid change located in the Collagen triple helix repeat region of the encoded protein sequence. Four of five in-silico tools predict a damaging effect of the variant on protein function. The variant was absent in 249538 control chromosomes (gnomAD). The available data on variant occurrences in the general population are insufficient to allow any conclusion about variant significance. To our knowledge, no occurrence of c.2522C>T in individuals affected with Alport Syndrome, Autosomal Recessive and no experimental evidence demonstrating its impact on protein function have been reported. No submitters have cited clinical-significance assessments for this variant to ClinVar after 2014. Based on the evidence outlined above, the variant was classified as uncertain significance.

NM_000091.5(COL4A3):c.2522C>T (p.Pro841Leu)

Genes: COL4A3 (collagen type IV alpha 3 chain; plus strand), MFF-DT (MFF divergent transcript; minus strand). Cytogenetic location: 2q36.3.
Variant type: single nucleotide variant.
Coding change: c.2522C>T on transcript NM_000091.5 (MANE Select); coding-DNA position 2522, C replaced by T.
Protein change: p.Pro841Leu; replaces proline 841 with leucine.
Molecular consequence: missense variant.
Genome position (GRCh38, 1-based): chr2:227,282,398, C>T. VCF-style: chr2-227282398-C-T. GRCh37 (hg19) VCF-style: chr2-228147114-C-T.
Other names: short protein forms P841L.
Identifiers: ClinVar variation 2691523 (VCV002691523.1), dbSNP rs2072042022, ClinGen allele CA350850194.